The following is an entry in ClinVar:

ClinVar aggregate classification (germline): Uncertain significance (1 of 4 stars; one submission).

Submission:

Labcorp Genetics (formerly Invitae), Labcorp
Classification: Uncertain significance. Last evaluated: 2022-04-01. Review status: criteria provided, single submitter. Criteria: Invitae Variant Classification Sherloc (09022015). Collection method: clinical testing. Allele origin: germline.
Comment: In summary, the available evidence is currently insufficient to determine the role of this variant in disease. Therefore, it has been classified as a Variant of Uncertain Significance. Experimental studies and prediction algorithms are not available or were not evaluated, and the functional significance of this variant is currently unknown. This variant has not been reported in the literature in individuals affected with IMPAD1-related conditions. This variant is not present in population databases (gnomAD no frequency). This variant, c.425_427del, results in the deletion of 1 amino acid(s) of the IMPAD1 protein (p.Glu142del), but otherwise preserves the integrity of the reading frame.

NM_017813.5(BPNT2):c.422AGG[1] (p.Glu142del)

Gene: BPNT2 (3'(2'), 5'-bisphosphate nucleotidase 2; minus strand). Cytogenetic location: 8q12.1.
Variant type: Microsatellite.
Coding change: c.422AGG[1] on transcript NM_017813.5 (MANE Select); one copy of the 3-base unit AGG starting at c.422; the reference has two copies in a row; one copy, 3 bases deleted.
Protein change: p.Glu142del; deletes glutamic acid 142.
Molecular consequence: inframe deletion.
Genome position (GRCh38, 1-based): chr8:56,980,158-56,980,160, CCT deleted on the plus strand (AGG on the coding strand, the reverse complement: BPNT2 is on the minus strand); deleting any 3 consecutive bases within chr8:56,980,158-56,980,163 gives the same sequence; the position shown is the placement nearest the transcript's 3' end. VCF-style (leftmost placement, unchanged base first): chr8-56980157-ACCT-A. GRCh37 (hg19) VCF-style: chr8-57892716-ACCT-A.
Other names: short protein forms E142del.
Identifiers: ClinVar variation 2112942 (VCV002112942.4), dbSNP rs1405604160, ClinGen allele CA853531501.